The following is an entry in ClinVar:

ClinVar aggregate classification (germline): Uncertain significance (1 of 4 stars; one submission).

Conditions:
Early-infantile DEE. Also called: Early infantile epileptic encephalopathy; Ohtahara syndrome; Early infantile epileptic encephalopathy with suppression bursts. Identifiers: Orphanet 1934, MedGen C0393706, MONDO:0800491.

Allele frequency attached by ClinVar (database versions not stated): gnomAD exomes below 0.00001.
gnomAD v4.1: 6 of 1,614,034 alleles (0.00037%); highest among the groups gnomAD compares: Admixed American, 0.0017%; no homozygotes.

Submission:

Labcorp Genetics (formerly Invitae), Labcorp
Classification: Uncertain significance for Early-infantile DEE. Last evaluated: 2023-11-13. Review status: criteria provided, single submitter. Criteria: Invitae Variant Classification Sherloc (09022015). Collection method: clinical testing. Allele origin: germline.
Comment: This sequence change replaces arginine, which is basic and polar, with glutamine, which is neutral and polar, at codon 162 of the GNAO1 protein (p.Arg162Gln). This variant is not present in population databases (gnomAD no frequency). This variant has not been reported in the literature in individuals affected with GNAO1-related conditions. ClinVar contains an entry for this variant (Variation ID: 1914952). Advanced modeling of protein sequence and biophysical properties (such as structural, functional, and spatial information, amino acid conservation, physicochemical variation, residue mobility, and thermodynamic stability) performed at Invitae indicates that this missense variant is expected to disrupt GNAO1 protein function with a positive predictive value of 95%. In summary, the available evidence is currently insufficient to determine the role of this variant in disease. Therefore, it has been classified as a Variant of Uncertain Significance.

NM_020988.3(GNAO1):c.485G>A (p.Arg162Gln)

Gene: GNAO1 (G protein subunit alpha o1; plus strand). Cytogenetic location: 16q13.
Variant type: single nucleotide variant.
Coding change: c.485G>A on transcript NM_020988.3 (MANE Select); coding-DNA position 485, G replaced by A.
Protein change: p.Arg162Gln; replaces arginine 162 with glutamine.
Molecular consequence: missense variant.
Genome position (GRCh38, 1-based): chr16:56,334,749, G>A. VCF-style: chr16-56334749-G-A. GRCh37 (hg19) VCF-style: chr16-56368661-G-A.
Other names: c.485G>A, p.Arg162Gln (NM_138736.3); short protein forms R162Q.
Identifiers: ClinVar variation 1914952 (VCV001914952.5), dbSNP rs1240134140, ClinGen allele CA395951415.